The following is an entry in ClinVar:

NM_000135.4(FANCA):c.3560G>C (p.Arg1187Thr)

Gene: FANCA (FA complementation group A; minus strand). Cytogenetic location: 16q24.3.
Variant type: single nucleotide variant.
Coding change: c.3560G>C on transcript NM_000135.4 (MANE Select); coding-DNA position 3560, G replaced by C.
Protein change: p.Arg1187Thr; replaces arginine 1187 with threonine.
Molecular consequence: missense variant.
Genome position (GRCh38, 1-based): chr16:89,745,025, C>G on the plus strand (G>C on the coding strand, the complement: FANCA is on the minus strand). VCF-style: chr16-89745025-C-G. GRCh37 (hg19) VCF-style: chr16-89811433-C-G.
Other names: c.3560G>C, p.Arg1187Thr (NM_001286167.3); short protein forms R1187T.
Identifiers: ClinVar variation 4254269 (VCV004254269.1).

ClinVar aggregate classification (germline): Uncertain significance (1 of 4 stars; one submission).

Conditions:
Inborn genetic diseases. Identifiers: MedGen C0950123, MeSH D030342.

gnomAD v4.1: 1 of 1,610,578 alleles (0.000062%); highest among the groups gnomAD compares: Non-Finnish European, 0.000085%; no homozygotes.

Submission:

Ambry Genetics
Classification: Uncertain significance for Inborn genetic diseases. Last evaluated: 2025-08-08. Review status: criteria provided, single submitter. Criteria: Ambry Variant Classification Scheme 2023. Collection method: clinical testing. Allele origin: germline.
Comment: The p.R1187T variant (also known as c.3560G>C), located in coding exon 36 of the FANCA gene, results from a G to C substitution at nucleotide position 3560. The arginine at codon 1187 is replaced by threonine, an amino acid with similar properties. This amino acid position is conserved. In addition, the in silico prediction for this alteration is inconclusive. Based on the available evidence, the clinical significance of this variant remains unclear.